The following is an entry in ClinVar:

NM_007294.4(BRCA1):c.81-20C>A

Gene: BRCA1 (BRCA1 DNA repair associated; minus strand). Cytogenetic location: 17q21.31.
Variant type: single nucleotide variant.
Coding change: c.81-20C>A on transcript NM_007294.4 (MANE Select); 20 bases into the intron before coding-DNA position 81, C replaced by A.
Molecular consequence: intron variant.
Genome position (GRCh38, 1-based): chr17:43,115,799, G>T on the plus strand (C>A on the coding strand, the complement: BRCA1 is on the minus strand). VCF-style: chr17-43115799-G-T. GRCh37 (hg19) VCF-style: chr17-41267816-G-T.
Other names: c.-8+8218C>A (NM_001407932.1, NM_001408464.1, NM_001407742.1 and 23 more transcripts); c.81-20C>A (NM_001408475.1, NM_001407875.1, NM_001407659.1 and 191 more transcripts); c.-108-20C>A (NM_001408509.1, NM_001408508.1, NM_001408491.1 and 52 more transcripts); c.-224-20C>A (NM_001408492.1, NM_001407889.1, NM_001407900.1); c.-177-20C>A (NM_001408468.1, NM_001407842.1, NM_001407749.1 and 13 more transcripts); c.-181-20C>A (NM_001407695.1, NM_001408465.1); c.-61-20C>A (NM_001407846.1, NM_001408503.1, NM_001407943.1 and 47 more transcripts); c.-8+5759C>A (NM_001407726.1, NM_001407751.1); and 10 more.
Identifiers: ClinVar variation 867757 (VCV000867757.3), dbSNP rs80358039, ClinGen allele CA916081094.
Genomic context (GRCh38, chr17:43,115,799, plus strand): 5'-GGTCACACTTTGTGGAGACAGGTTCCTTGATCAACTCCAGACTAGCAGGGTAGGGGGGGA[G>T]AAAAAGAAAATAAATGAGGCTCAATAATTTATTTAAAAATAAAGCTATTCTTAGTGAATA-3'

Conditions:
Breast-ovarian cancer, familial, susceptibility to, 1 (BROVCA1). Also called: BRCA1 Hereditary Breast and Ovarian Cancer; OVARIAN CANCER, SUSCEPTIBILITY TO. Identifiers: Orphanet 145, MedGen C2676676, MONDO:0011450, OMIM 604370. Disease mechanism: loss of function.

Submission:

Brotman Baty Institute, University of Washington
No classification provided (evidence only). Condition: Breast-ovarian cancer, familial 1. Review status: no classification provided. Collection method: in vitro. Allele origin: not applicable. Functional consequence: functionally_normal.
ClinVar note: "not provided" was previously submitted as the classification for the variant. However, the classification appeared to be based only on an observation of functional data so it was converted to no classification on 2025-07-30.